The following is an entry in ClinVar:

NM_053013.4(ENO3):c.117T>G (p.Ala39=)

Gene: ENO3 (enolase 3; plus strand). Cytogenetic location: 17p13.2.
Variant type: single nucleotide variant.
Coding change: c.117T>G on transcript NM_053013.4 (MANE Select); coding-DNA position 117, T replaced by G.
Protein change: p.Ala39=; no amino-acid change (alanine 39 retained).
Molecular consequence: synonymous variant.
Genome position (GRCh38, 1-based): chr17:4,952,826, T>G. VCF-style: chr17-4952826-T-G. GRCh37 (hg19) VCF-style: chr17-4856121-T-G.
Other names: c.117T>G, p.Ala39= (NM_001193503.2, NM_001374523.1, NM_001976.5); c.144T>G, p.Ala48= (NM_001374524.1).
Identifiers: ClinVar variation 4874713 (VCV004874713.2).

ClinVar aggregate classification (germline): Likely benign (1 of 4 stars; one submission).

Submission:

CeGaT Center for Human Genetics Tuebingen
Classification: Likely benign. Last evaluated: 2026-04-01. Review status: criteria provided, single submitter. Criteria: CeGaT Center For Human Genetics Tuebingen Variant Classification Criteria Version 2. Collection method: clinical testing. Allele origin: germline. Affected: yes. Observed: 1 variant allele.
Comment: ENO3: PM2:Supporting, BP4, BP7